The following is an entry in ClinVar:

ClinVar aggregate classification (germline): Uncertain significance (1 of 4 stars; one submission).

Conditions:
Charcot-Marie-Tooth disease type 2. Also called: Charcot-Marie-Tooth type 2. Identifiers: Orphanet 64746, MedGen C0270914, MONDO:0018993.

Submission:

Labcorp Genetics (formerly Invitae), Labcorp
Classification: Uncertain significance for Charcot-Marie-Tooth disease type 2. Last evaluated: 2023-06-30. Review status: criteria provided, single submitter. Criteria: Invitae Variant Classification Sherloc (09022015). Collection method: clinical testing. Allele origin: germline.
Comment: In summary, the available evidence is currently insufficient to determine the role of this variant in disease. Therefore, it has been classified as a Variant of Uncertain Significance. Advanced modeling of protein sequence and biophysical properties (such as structural, functional, and spatial information, amino acid conservation, physicochemical variation, residue mobility, and thermodynamic stability) performed at Invitae indicates that this missense variant is expected to disrupt MFN2 protein function. ClinVar contains an entry for this variant (Variation ID: 1487534). This variant has not been reported in the literature in individuals affected with MFN2-related conditions. This variant is not present in population databases (gnomAD no frequency). This sequence change replaces glycine, which is neutral and non-polar, with arginine, which is basic and polar, at codon 639 of the MFN2 protein (p.Gly639Arg).

NM_014874.4(MFN2):c.1915G>C (p.Gly639Arg)

Gene: MFN2 (mitofusin 2; plus strand). Cytogenetic location: 1p36.22.
Variant type: single nucleotide variant.
Coding change: c.1915G>C on transcript NM_014874.4 (MANE Select); coding-DNA position 1915, G replaced by C.
Protein change: p.Gly639Arg; replaces glycine 639 with arginine.
Molecular consequence: missense variant.
Genome position (GRCh38, 1-based): chr1:12,007,095, G>C. VCF-style: chr1-12007095-G-C. GRCh37 (hg19) VCF-style: chr1-12067152-G-C.
Other names: c.1915G>C, p.Gly639Arg (NM_001127660.2); short protein forms G639R.
Identifiers: ClinVar variation 1487534 (VCV001487534.6), dbSNP rs2100858120, ClinGen allele CA338450625.